The following is an entry in ClinVar:

ClinVar aggregate classification (germline): Likely pathogenic. Review status: criteria provided, multiple submitters, no conflicts (2 of 4 stars). 7 submissions from 2 submitters: Likely pathogenic (7). Last evaluated 2023-08-07.

Conditions:
Myopathy, myofibrillar, 9, with early respiratory failure (MFM9). Also called: EDSTROM MYOPATHY; MYOPATHY, PROXIMAL, WITH EARLY RESPIRATORY MUSCLE INVOLVEMENT; Hereditary myopathy with early respiratory failure; Myopathy, distal, with early respiratory failure, autosomal dominant. Identifiers: Orphanet 178464, Orphanet 34521, MedGen C1863599, MONDO:0011362, OMIM 603689.
Early-onset myopathy with fatal cardiomyopathy (CMYO5). Also called: CONGENITAL MYOPATHY 5 WITH CARDIOMYOPATHY; Salih Myopathy. Identifiers: Orphanet 289377, MedGen C2673677, MONDO:0012714, OMIM 611705. Disease mechanism: loss of function.
Hypertrophic cardiomyopathy 9. Also called: Familial hypertrophic cardiomyopathy 9. Identifiers: MedGen C1861065, MONDO:0013412, OMIM 613765.
Dilated cardiomyopathy 1G (CMD1G). Identifiers: Orphanet 154, MedGen C1858763, MONDO:0011400, OMIM 604145.
Tibial muscular dystrophy (TMD). Also called: UDD MYOPATHY; Tibial muscular dystrophy, tardive; Udd Distal Myopathy – Tibial Muscular Dystrophy. Identifiers: Orphanet 609, MedGen C1838244, MONDO:0010870, OMIM 600334.
Autosomal recessive limb-girdle muscular dystrophy type 2J (LGMDR10). Also called: Limb-girdle muscular dystrophy, type 2J; MUSCULAR DYSTROPHY, LIMB-GIRDLE, AUTOSOMAL RECESSIVE 10. Identifiers: Orphanet 140922, MedGen C1837342, MONDO:0012127, OMIM 608807.

Submissions (7):

GeneDx
Classification: Likely pathogenic. Last evaluated: 2023-08-07. Review status: criteria provided, single submitter. Criteria: GeneDx Variant Classification Process June 2021. Collection method: clinical testing. Allele origin: germline. Affected: yes.
Comment: Frameshift variant predicted to result in protein truncation or nonsense mediated decay in a gene for which loss of function is a known mechanism of disease; Located in the A-band region of TTN in which the majority of loss of function variants have been associated with autosomal dominant titinopathies (Herman et al., 2012); Not observed at significant frequency in large population cohorts (gnomAD); Has not been previously published as pathogenic or benign to our knowledge; This variant is associated with the following publications: (PMID: 22335739)

Baylor Genetics
Classification: Likely pathogenic for Hypertrophic cardiomyopathy 9. Last evaluated: 2022-09-12. Review status: criteria provided, single submitter. Criteria: ACMG Guidelines, 2015. Collection method: clinical testing. Allele origin: unknown.

Baylor Genetics
Classification: Likely pathogenic for Autosomal recessive limb-girdle muscular dystrophy type 2J. Last evaluated: 2022-09-12. Review status: criteria provided, single submitter. Criteria: ACMG Guidelines, 2015. Collection method: clinical testing. Allele origin: unknown.

Baylor Genetics
Classification: Likely pathogenic for Early-onset myopathy with fatal cardiomyopathy. Last evaluated: 2022-09-12. Review status: criteria provided, single submitter. Criteria: ACMG Guidelines, 2015. Collection method: clinical testing. Allele origin: unknown.

Baylor Genetics
Classification: Likely pathogenic for Dilated cardiomyopathy 1G. Last evaluated: 2022-09-12. Review status: criteria provided, single submitter. Criteria: ACMG Guidelines, 2015. Collection method: clinical testing. Allele origin: unknown.

Baylor Genetics
Classification: Likely pathogenic for Myopathy, myofibrillar, 9, with early respiratory failure. Last evaluated: 2022-09-12. Review status: criteria provided, single submitter. Criteria: ACMG Guidelines, 2015. Collection method: clinical testing. Allele origin: unknown.

Baylor Genetics
Classification: Likely pathogenic for Tibial muscular dystrophy. Last evaluated: 2022-09-12. Review status: criteria provided, single submitter. Criteria: ACMG Guidelines, 2015. Collection method: clinical testing. Allele origin: unknown.

NM_001267550.2(TTN):c.52694_52695del (p.His17565fs)

Genes: TTN (titin; minus strand), TTN-AS1 (TTN antisense RNA 1; plus strand), LOC126806425 (BRD4-independent group 4 enhancer GRCh37_chr2:179471933-179473132; plus strand). Cytogenetic location: 2q31.2.
Variant type: Deletion.
Coding change: c.52694_52695del on transcript NM_001267550.2 (MANE Select); coding-DNA positions 52694 to 52695, 2 bases deleted (AT; older notation c.52694_52695delAT).
Protein change: p.His17565fs; shifts the reading frame from histidine 17565.
Molecular consequence: frameshift variant. On other transcripts: non-coding transcript variant (1).
Genome position (GRCh38, 1-based): chr2:178,608,188-178,608,189, AT deleted on the plus strand (AT on the coding strand, the reverse complement: TTN is on the minus strand). VCF-style (leftmost placement, unchanged base first): chr2-178608187-CAT-C. GRCh37 (hg19) VCF-style: chr2-179472914-CAT-C.
Other names: c.47771_47772del, p.His15924fs (NM_001256850.1); c.25499_25500del, p.His8500fs (NM_003319.4); c.44990_44991del, p.His14997fs (NM_133378.4); c.25874_25875del, p.His8625fs (NM_133432.3); c.26075_26076del, p.His8692fs (NM_133437.4); c.52694_52695del (NM_001267550.1); short protein forms H14997fs, H15924fs, H17565fs, H8500fs, H8625fs, H8692fs.
Identifiers: ClinVar variation 2441726 (VCV002441726.2), dbSNP rs2470325660, ClinGen allele CA2580064654.